The following is an entry in ClinVar:

NM_002185.5(IL7R):c.11T>C (p.Leu4Pro)

Gene: IL7R (interleukin 7 receptor; plus strand). Cytogenetic location: 5p13.2.
Variant type: single nucleotide variant.
Coding change: c.11T>C on transcript NM_002185.5 (MANE Select); coding-DNA position 11, T replaced by C.
Protein change: p.Leu4Pro; replaces leucine 4 with proline.
Molecular consequence: missense variant. On other transcripts: non-coding transcript variant (1).
Genome position (GRCh38, 1-based): chr5:35,856,988, T>C. VCF-style: chr5-35856988-T-C. GRCh37 (hg19) VCF-style: chr5-35857090-T-C.
Other names: c.11T>C, p.Leu4Pro (NM_001410734.1); short protein forms L4P.
Identifiers: ClinVar variation 2056473 (VCV002056473.4), dbSNP rs1759658576, ClinGen allele CA359425625.
Genomic context (GRCh38, chr5:35,856,988, plus strand): 5'-TTCATACACACTGGCTCACACATCTACTCTCTCTCTCTATCTCTCTCAGAATGACAATTC[T>C]AGGTACAACTTTTGGCATGGTTTTTTCTTTACTTCAAGTCGTTTCTGGAGAAAGTGGCTA-3'
Protein context (NP_002176.2, residues 1-14): MTI[Leu4Pro]GTTFGMVFSL

ClinVar aggregate classification (germline): Uncertain significance (1 of 4 stars; one submission).

Conditions:
Immunodeficiency 104. Also called: Severe combined immunodeficiency, autosomal recessive, T cell-negative, B cell-positive, NK cell-positive; Severe Combined Immune Deficiency, Autosomal Recessive, TCell -Negative, B Cell-Positive, NK Cell-Positive, IL7R-Related; SCID, AUTOSOMAL RECESSIVE, T CELL-NEGATIVE, B CELL-POSITIVE, NK CELL-POSITIVE; IMMUNODEFICIENCY 104, SEVERE COMBINED. Identifiers: MedGen C5676890, MONDO:0012163, OMIM 608971.

Submission:

Labcorp Genetics (formerly Invitae), Labcorp
Classification: Uncertain significance for Immunodeficiency 104. Last evaluated: 2021-12-24. Review status: criteria provided, single submitter. Criteria: Invitae Variant Classification Sherloc (09022015). Collection method: clinical testing. Allele origin: germline.
Comment: This sequence change replaces leucine, which is neutral and non-polar, with proline, which is neutral and non-polar, at codon 4 of the IL7R protein (p.Leu4Pro). This variant is not present in population databases (gnomAD no frequency). This variant has not been reported in the literature in individuals affected with IL7R-related conditions. Advanced modeling of protein sequence and biophysical properties (such as structural, functional, and spatial information, amino acid conservation, physicochemical variation, residue mobility, and thermodynamic stability) performed at Invitae indicates that this missense variant is expected to disrupt IL7R protein function. In summary, the available evidence is currently insufficient to determine the role of this variant in disease. Therefore, it has been classified as a Variant of Uncertain Significance.